The following is an entry in ClinVar:

ClinVar aggregate classification (germline): Conflicting classifications of pathogenicity. Review status: criteria provided, conflicting classifications (1 of 4 stars). 2 submissions from 2 submitters: Uncertain significance (1); Likely benign (1). Last evaluated 2025-07-21.

Conditions:
Mitochondrial complex II deficiency, nuclear type 1. Also called: SUCCINATE CoQ REDUCTASE DEFICIENCY. Identifiers: Orphanet 3208, MedGen C5700310, MONDO:0100294, OMIM 252011.
Pheochromocytoma/paraganglioma syndrome 5. Also called: Paragangliomas 5; SDHA-Related Hereditary Paraganglioma-Pheochromocytoma Syndrome. Identifiers: Orphanet 29072, MedGen C3279992, MONDO:0013602, OMIM 614165.
Hereditary cancer-predisposing syndrome. Also called: Neoplastic Syndromes, Hereditary; Hereditary Cancer Syndrome; Hereditary neoplastic syndrome; Tumor predisposition. Identifiers: Orphanet 140162, MedGen C0027672, MeSH D009386, MONDO:0015356.

Allele frequency attached by ClinVar (database versions not stated): TOPMed 0.00002.

Submissions (2):

Labcorp Genetics (formerly Invitae), Labcorp
Classification: Uncertain significance for Pheochromocytoma/paraganglioma syndrome 5; Mitochondrial complex II deficiency, nuclear type 1. Last evaluated: 2025-07-21. Review status: criteria provided, single submitter. Criteria: Invitae Variant Classification Sherloc (09022015). Collection method: clinical testing. Allele origin: germline.
Comment: This sequence change replaces valine, which is neutral and non-polar, with isoleucine, which is neutral and non-polar, at codon 632 of the SDHA protein (p.Val632Ile). This variant is present in population databases (rs369639811, gnomAD 0.009%). This variant has not been reported in the literature in individuals affected with SDHA-related conditions. ClinVar contains an entry for this variant (Variation ID: 472367). Invitae Evidence Modeling of protein sequence and biophysical properties (such as structural, functional, and spatial information, amino acid conservation, physicochemical variation, residue mobility, and thermodynamic stability) indicates that this missense variant is not expected to disrupt SDHA protein function with a negative predictive value of 95%. In summary, the available evidence is currently insufficient to determine the role of this variant in disease. Therefore, it has been classified as a Variant of Uncertain Significance.

Ambry Genetics
Classification: Likely benign for Hereditary cancer-predisposing syndrome. Last evaluated: 2019-07-15. Review status: criteria provided, single submitter. Criteria: Ambry Variant Classification Scheme 2023. Collection method: clinical testing. Allele origin: germline.

NM_004168.4(SDHA):c.1894G>A (p.Val632Ile)

Gene: SDHA (succinate dehydrogenase complex flavoprotein subunit A; plus strand). Cytogenetic location: 5p15.33.
Variant type: single nucleotide variant.
Coding change: c.1894G>A on transcript NM_004168.4 (MANE Select); coding-DNA position 1894, G replaced by A.
Protein change: p.Val632Ile; replaces valine 632 with isoleucine.
Molecular consequence: missense variant.
Genome position (GRCh38, 1-based): chr5:254,492, G>A. VCF-style: chr5-254492-G-A. GRCh37 (hg19) VCF-style: chr5-254607-G-A.
Other names: c.1750G>A, p.Val584Ile (NM_001294332.2); c.1651G>A, p.Val551Ile (NM_001330758.2); short protein forms V632I, V551I, V584I.
Identifiers: ClinVar variation 472367 (VCV000472367.14), dbSNP rs369639811, ClinGen allele CA3173439.